The following is an entry in ClinVar:

ClinVar aggregate classification (germline): Uncertain significance (1 of 4 stars; one submission).

gnomAD v4.1: 1 of 1,614,046 alleles (0.000062%); highest among the groups gnomAD compares: Non-Finnish European, 0.000085%; no homozygotes.

Submission:

Labcorp Genetics (formerly Invitae), Labcorp
Classification: Uncertain significance. Last evaluated: 2024-09-10. Review status: criteria provided, single submitter. Criteria: Invitae Variant Classification Sherloc (09022015). Collection method: clinical testing. Allele origin: germline.
Comment: This sequence change replaces leucine, which is neutral and non-polar, with proline, which is neutral and non-polar, at codon 591 of the PCLO protein (p.Leu591Pro). This variant is not present in population databases (gnomAD no frequency). This variant has not been reported in the literature in individuals affected with PCLO-related conditions. Experimental studies and prediction algorithms are not available or were not evaluated, and the functional significance of this variant is currently unknown. In summary, the available evidence is currently insufficient to determine the role of this variant in disease. Therefore, it has been classified as a Variant of Uncertain Significance.

NM_033026.6(PCLO):c.1772T>C (p.Leu591Pro)

Gene: PCLO (piccolo presynaptic cytomatrix protein; minus strand). Cytogenetic location: 7q21.11.
Variant type: single nucleotide variant.
Coding change: c.1772T>C on transcript NM_033026.6 (MANE Select); coding-DNA position 1772, T replaced by C.
Protein change: p.Leu591Pro; replaces leucine 591 with proline.
Molecular consequence: missense variant.
Genome position (GRCh38, 1-based): chr7:83,154,869, A>G on the plus strand (T>C on the coding strand, the complement: PCLO is on the minus strand). VCF-style: chr7-83154869-A-G. GRCh37 (hg19) VCF-style: chr7-82784185-A-G.
Other names: c.1772T>C, p.Leu591Pro (NM_014510.3); short protein forms L591P.
Identifiers: ClinVar variation 3690571 (VCV003690571.2).